The following is an entry in ClinVar:

NM_006015.6(ARID1A):c.5625A>C (p.Pro1875=)

Gene: ARID1A (AT-rich interaction domain 1A; plus strand). Cytogenetic location: 1p36.11.
Variant type: single nucleotide variant.
Coding change: c.5625A>C on transcript NM_006015.6 (MANE Select); coding-DNA position 5625, A replaced by C.
Protein change: p.Pro1875=; no amino-acid change (proline 1875 retained).
Molecular consequence: synonymous variant.
Genome position (GRCh38, 1-based): chr1:26,779,523, A>C. VCF-style: chr1-26779523-A-C. GRCh37 (hg19) VCF-style: chr1-27106014-A-C.
Other names: c.4974A>C, p.Pro1658= (NM_139135.4).
Identifiers: ClinVar variation 2972091 (VCV002972091.4), dbSNP rs776587963, ClinGen allele CA707728.

ClinVar aggregate classification (germline): Likely benign. Review status: criteria provided, multiple submitters, no conflicts (2 of 4 stars). 2 submissions from 2 submitters: Likely benign (2). Last evaluated 2025-09-13.

Conditions:
ARID1A-related disorder. Also called: ARID1A-related condition.

Allele frequency attached by ClinVar (database versions not stated): gnomAD 0.00002; TOPMed 0.00002; ExAC 0.00004.
gnomAD v4.1: 29 of 1,613,978 alleles (0.0018%); highest among the groups gnomAD compares: Non-Finnish European, 0.0024%; no homozygotes.

Submissions (2):

PreventionGenetics, part of Exact Sciences
Classification: Likely benign for ARID1A-related condition. Last evaluated: 2025-09-13. Review status: criteria provided, single submitter. Criteria: ACMG Guidelines, 2015. Collection method: clinical testing. Allele origin: germline.
Comment: This variant is classified as likely benign based on ACMG/AMP sequence variant interpretation guidelines (Richards et al. 2015 PMID: 25741868, with internal and published modifications).

Labcorp Genetics (formerly Invitae), Labcorp
Classification: Likely benign. Last evaluated: 2023-02-08. Review status: criteria provided, single submitter. Criteria: Invitae Variant Classification Sherloc (09022015). Collection method: clinical testing. Allele origin: germline.